The following is an entry in ClinVar:

NM_001458.5(FLNC):c.7339C>T (p.Pro2447Ser)

Genes: FLNC (filamin C; plus strand), FLNC-AS1 (FLNC antisense RNA 1; minus strand). Cytogenetic location: 7q32.1.
Variant type: single nucleotide variant.
Coding change: c.7339C>T on transcript NM_001458.5 (MANE Select); coding-DNA position 7339, C replaced by T.
Protein change: p.Pro2447Ser; replaces proline 2447 with serine.
Molecular consequence: missense variant.
Genome position (GRCh38, 1-based): chr7:128,856,605, C>T. VCF-style: chr7-128856605-C-T. GRCh37 (hg19) VCF-style: chr7-128496659-C-T.
Other names: c.7240C>T, p.Pro2414Ser (NM_001127487.2); short protein forms P2414S, P2447S.
Identifiers: ClinVar variation 2579030 (VCV002579030.26), dbSNP rs1554401770, ClinGen allele CA369216862.
Genomic context (GRCh38, chr7:128,856,605, plus strand): 5'-GCGTCCTTTGCCGTGCAGCTGAACGGTGCCCGGGGCGTGATTGATGCCCGGGTGCACACA[C>T]CCTCGGGGGCTGTGGAGGAGTGCTACGTCTCTGAGCTGGACAGTGGTGAGCTGGCCCTGC-3'
Protein context (NP_001449.3, residues 2437-2457): RGVIDARVHT[Pro2447Ser]SGAVEECYVS

ClinVar aggregate classification (germline): Uncertain significance. Review status: criteria provided, multiple submitters, no conflicts (2 of 4 stars). 2 submissions from 2 submitters: Uncertain significance (2). Last evaluated 2023-10-17.

Allele frequency attached by ClinVar (database versions not stated): gnomAD exomes below 0.00001.

Submissions (2):

Blueprint Genetics
Classification: Uncertain significance. Last evaluated: 2023-10-17. Review status: criteria provided, single submitter. Criteria: ACMG Guidelines, 2015. Collection method: clinical testing. Allele origin: germline.

CeGaT Center for Human Genetics Tuebingen
Classification: Uncertain significance. Last evaluated: 2023-08-01. Review status: criteria provided, single submitter. Criteria: CeGaT Center For Human Genetics Tuebingen Variant Classification Criteria Version 2. Collection method: clinical testing. Allele origin: germline. Affected: yes. Observed: 1 variant allele.
Comment: FLNC: PM2